The following is an entry in ClinVar:

NM_004727.3(SLC24A1):c.3106G>A (p.Val1036Ile)

Gene: SLC24A1 (solute carrier family 24 member 1; plus strand). Cytogenetic location: 15q22.31.
Variant type: single nucleotide variant.
Coding change: c.3106G>A on transcript NM_004727.3 (MANE Select); coding-DNA position 3106, G replaced by A.
Protein change: p.Val1036Ile; replaces valine 1036 with isoleucine.
Molecular consequence: missense variant. On other transcripts: intron variant (1).
Genome position (GRCh38, 1-based): chr15:65,653,885, G>A. VCF-style: chr15-65653885-G-A. GRCh37 (hg19) VCF-style: chr15-65946223-G-A.
Other names: c.1087G>A, p.Val363Ile (NM_001254740.2); c.3016G>A, p.Val1006Ile (NM_001301031.1); c.3052G>A, p.Val1018Ile (NM_001301032.1); c.2996+1077G>A (NM_001301033.2); short protein forms V1018I, V1036I, V363I, V1006I.
Identifiers: ClinVar variation 1358264 (VCV001358264.6), dbSNP rs2141737136, ClinGen allele CA392903437.

ClinVar aggregate classification (germline): Uncertain significance (1 of 4 stars; one submission).

Allele frequency attached by ClinVar (database versions not stated): gnomAD exomes 0.00001.
gnomAD v4.1: 4 of 1,613,908 alleles (0.00025%); highest among the groups gnomAD compares: Admixed American, 0.0067%; no homozygotes.

Submission:

Labcorp Genetics (formerly Invitae), Labcorp
Classification: Uncertain significance. Last evaluated: 2026-01-26. Review status: criteria provided, single submitter. Criteria: Invitae Variant Classification Sherloc (09022015). Collection method: clinical testing. Allele origin: germline.
Comment: This sequence change replaces valine, which is neutral and non-polar, with isoleucine, which is neutral and non-polar, at codon 1036 of the SLC24A1 protein (p.Val1036Ile). This variant is not present in population databases (gnomAD no frequency). This variant has not been reported in the literature in individuals affected with SLC24A1-related conditions. ClinVar contains an entry for this variant (Variation ID: 1358264). An algorithm developed to predict the effect of missense changes on protein structure and function (PolyPhen-2) suggests that this variant is likely to be disruptive. In summary, the available evidence is currently insufficient to determine the role of this variant in disease. Therefore, it has been classified as a Variant of Uncertain Significance.